The following is an entry in ClinVar:

NM_000089.4(COL1A2):c.1171G>C (p.Gly391Arg)

Gene: COL1A2 (collagen type I alpha 2 chain; plus strand). Cytogenetic location: 7q21.3.
Variant type: single nucleotide variant.
Coding change: c.1171G>C on transcript NM_000089.4 (MANE Select); coding-DNA position 1171, G replaced by C.
Protein change: p.Gly391Arg; replaces glycine 391 with arginine.
Molecular consequence: missense variant.
Genome position (GRCh38, 1-based): chr7:94,410,501, G>C. VCF-style: chr7-94410501-G-C. GRCh37 (hg19) VCF-style: chr7-94039813-G-C.
Other names: short protein forms G391R.
Identifiers: ClinVar variation 1687533 (VCV001687533.2), dbSNP rs67707918, ClinGen allele CA368221296.

ClinVar aggregate classification (germline): Pathogenic/Likely pathogenic. Review status: criteria provided, multiple submitters, no conflicts (2 of 4 stars). 2 submissions from 2 submitters: Pathogenic (1); Likely pathogenic (1). Last evaluated 2022-05-22.

Conditions:
Osteogenesis imperfecta (OI). Identifiers: Orphanet 666, MedGen C0029434, MeSH D010013, MONDO:0019019.
Osteogenesis imperfecta with normal sclerae, dominant form (OI4). Also called: Osteogenesis imperfecta type 4; Common Variable Osteogenesis Imperfecta with Normal Sclerae; OSTEOGENESIS IMPERFECTA WITH NORMAL SCLERAE; OSTEOGENESIS IMPERFECTA, TYPE IV, WITH DENTINOGENESIS IMPERFECTA; Osteogenesis Imperfecta Type IV. Identifiers: Orphanet 216820, Orphanet 666, MedGen C0268363, MONDO:0008148, OMIM 166220.

Submissions (2):

3billion
Classification: Likely pathogenic for Osteogenesis imperfecta with normal sclerae, dominant form. Last evaluated: 2022-05-22. Review status: criteria provided, single submitter. Criteria: ACMG Guidelines, 2015. Collection method: clinical testing. Allele origin: germline. Affected: yes. Observed: 1 heterozygote.
Comment: The variant is not observed in the gnomAD v2.1.1 dataset. Missense changes are a common disease-causing mechanism. In silico tool predictions suggest damaging effect of the variant on gene or gene product (REVEL: 0.93; 3Cnet: 0.99). Different missense changes at the same codon (p.Gly391Cys, p.Gly391Ser) have been reported as pathogenic/likely pathogenic with strong evidence (ClinVar ID: VCV000425645, VCV000950425). Therefore, this variant is classified as likely pathogenic according to the recommendation of ACMG/AMP guideline.

Cambridge Genomics Laboratory, East Genomic Laboratory Hub, NHS Genomic Medicine Service
Classification: Pathogenic for Osteogenesis imperfecta. Last evaluated: 2020-01-25. Review status: criteria provided, single submitter. Criteria: ACGS Best Practice Guidelines for Variant Classification in Rare Disease 2020. Collection method: clinical testing. Allele origin: germline. Affected: yes. Observed: 1 variant allele.